The following is an entry in ClinVar:

ClinVar aggregate classification (germline): Uncertain significance (1 of 4 stars; one submission).

Conditions:
Catecholaminergic polymorphic ventricular tachycardia 1. Also called: RYR2-Related Catecholaminergic Polymorphic Ventricular Tachycardia; VENTRICULAR TACHYCARDIA, CATECHOLAMINERGIC POLYMORPHIC, 1, WITH OR WITHOUT ATRIAL DYSFUNCTION AND/OR DILATED CARDIOMYOPATHY; VENTRICULAR TACHYCARDIA, STRESS-INDUCED POLYMORPHIC 1. Identifiers: Orphanet 3286, MedGen C1631597, MONDO:0011484, OMIM 604772.

Submission:

Labcorp Genetics (formerly Invitae), Labcorp
Classification: Uncertain significance for Catecholaminergic polymorphic ventricular tachycardia 1. Last evaluated: 2021-09-02. Review status: criteria provided, single submitter. Criteria: Invitae Variant Classification Sherloc (09022015). Collection method: clinical testing. Allele origin: germline.
Comment: This variant has not been reported in the literature in individuals affected with RYR2-related conditions. This variant is not present in population databases (ExAC no frequency). This sequence change replaces alanine with serine at codon 3351 of the RYR2 protein (p.Ala3351Ser). The alanine residue is highly conserved and there is a moderate physicochemical difference between alanine and serine. In summary, the available evidence is currently insufficient to determine the role of this variant in disease. Therefore, it has been classified as a Variant of Uncertain Significance. Advanced modeling of protein sequence and biophysical properties (such as structural, functional, and spatial information, amino acid conservation, physicochemical variation, residue mobility, and thermodynamic stability) performed at Invitae indicates that this missense variant is not expected to disrupt RYR2 protein function.

NM_001035.3(RYR2):c.10051G>T (p.Ala3351Ser)

Gene: RYR2 (ryanodine receptor 2; plus strand). Cytogenetic location: 1q43.
Variant type: single nucleotide variant.
Coding change: c.10051G>T on transcript NM_001035.3 (MANE Select); coding-DNA position 10051, G replaced by T.
Protein change: p.Ala3351Ser; replaces alanine 3351 with serine.
Molecular consequence: missense variant.
Genome position (GRCh38, 1-based): chr1:237,709,007, G>T. VCF-style: chr1-237709007-G-T. GRCh37 (hg19) VCF-style: chr1-237872307-G-T.
Other names: short protein forms A3351S.
Identifiers: ClinVar variation 1005022 (VCV001005022.8), dbSNP rs1057524349, ClinGen allele CA345410863.